The following is an entry in ClinVar:

NM_001144869.3(LIPT2):c.22T>G (p.Leu8Val)

Genes: LIPT2 (lipoyl(octanoyl) transferase 2; minus strand), LIPT2-AS1 (LIPT2 antisense RNA 1; plus strand). Cytogenetic location: 11q13.4.
Variant type: single nucleotide variant.
Coding change: c.22T>G on transcript NM_001144869.3 (MANE Select); coding-DNA position 22, T replaced by G.
Protein change: p.Leu8Val; replaces leucine 8 with valine.
Molecular consequence: missense variant. On other transcripts: non-coding transcript variant (1).
Genome position (GRCh38, 1-based): chr11:74,493,682, A>C on the plus strand (T>G on the coding strand, the complement: LIPT2 is on the minus strand). VCF-style: chr11-74493682-A-C. GRCh37 (hg19) VCF-style: chr11-74204727-A-C.
Other names: c.22T>G, p.Leu8Val (NM_001329941.2, NM_001329942.2); short protein forms L8V.
Identifiers: ClinVar variation 4525921 (VCV004525921.1).

ClinVar aggregate classification (germline): Uncertain significance (1 of 4 stars; one submission).

Submission:

Women's Health and Genetics/Laboratory Corporation of America, LabCorp
Classification: Uncertain significance. Last evaluated: 2025-07-14. Review status: criteria provided, single submitter. Criteria: LabCorp Variant Classification Summary - May 2015. Collection method: clinical testing. Allele origin: germline.
Comment: Variant summary: LIPT2 c.22T>G (p.Leu8Val) results in a conservative amino acid change in the encoded protein sequence. Algorithms developed to predict the effect of missense changes on protein structure and function all suggest that this variant is likely to be tolerated. The variant allele was found at a frequency of 3.2e-05 in 31030 control chromosomes. The available data on variant occurrences in the general population are insufficient to allow any conclusion about variant significance. To our knowledge, no occurrence of c.22T>G in individuals affected with Encephalopathy, Neonatal Severe, With Lactic Acidosis And Brain Abnormalities and no experimental evidence demonstrating its impact on protein function have been reported. No submitters have cited clinical-significance assessments for this variant to ClinVar. Based on the evidence outlined above, the variant was classified as uncertain significance.